The following is an entry in ClinVar:

NM_014000.3(VCL):c.3122_3123del (p.Thr1041fs)

Gene: VCL (vinculin; plus strand). Cytogenetic location: 10q22.2.
Variant type: Microsatellite.
Coding change: c.3122_3123del on transcript NM_014000.3 (MANE Select); coding-DNA positions 3122 to 3123, 2 bases deleted (CA; older notation c.3122_3123delCA).
Protein change: p.Thr1041fs; shifts the reading frame from threonine 1041.
Molecular consequence: frameshift variant.
Genome position (GRCh38, 1-based): chr10:74,114,356-74,114,357, CA deleted; deleting any 2 consecutive bases within chr10:74,114,354-74,114,357 gives the same sequence; the c. name uses the placement nearest the transcript's 3' end. VCF-style (leftmost placement, unchanged base first): chr10-74114353-GCA-G. GRCh37 (hg19) VCF-style: chr10-75874111-GCA-G.
Other names: c.2918_2919del, p.Thr973fs (NM_003373.4); short protein forms T1041fs, T973fs.
Identifiers: ClinVar variation 4722507 (VCV004722507.1).
Genomic context (GRCh38, chr10:74,114,353, plus strand): 5'-AGGACATCGCCAAGGCCTCAGATGAGGTGACTCGGTTGGCCAAGGAGGTTGCCAAGCAGT[GCA>G]CAGATAAACGGATTAGAACCAACCTCTTACAGGTACTCGGGGAAAGAGGCTGCGTGTGTG-3'

ClinVar aggregate classification (germline): Uncertain significance (1 of 4 stars; one submission).

Conditions:
Dilated cardiomyopathy 1W (CMD1W). Identifiers: Orphanet 154, MedGen C1969639, MONDO:0012667, OMIM 611407.

Submission:

Labcorp Genetics (formerly Invitae), Labcorp
Classification: Uncertain significance for Dilated cardiomyopathy 1W. Last evaluated: 2025-07-02. Review status: criteria provided, single submitter. Criteria: Invitae Variant Classification Sherloc (09022015). Collection method: clinical testing. Allele origin: germline.
Comment: This sequence change creates a premature translational stop signal (p.Thr1041Argfs*2) in the VCL gene. It is expected to result in an absent or disrupted protein product. However, the current clinical and genetic evidence is not sufficient to establish whether loss-of-function variants in VCL cause disease. This variant is not present in population databases (gnomAD no frequency). This variant has not been reported in the literature in individuals affected with VCL-related conditions. In summary, the available evidence is currently insufficient to determine the role of this variant in disease. Therefore, it has been classified as a Variant of Uncertain Significance.